The following is an entry in ClinVar:

NM_032119.4(ADGRV1):c.8824+4T>C

Gene: ADGRV1 (adhesion G protein-coupled receptor V1; plus strand). Cytogenetic location: 5q14.3.
Variant type: single nucleotide variant.
Coding change: c.8824+4T>C on transcript NM_032119.4 (MANE Select); 4 bases into the intron after coding-DNA position 8824, T replaced by C.
Molecular consequence: intron variant.
Genome position (GRCh38, 1-based): chr5:90,708,913, T>C. VCF-style: chr5-90708913-T-C. GRCh37 (hg19) VCF-style: chr5-90004730-T-C.
Identifiers: ClinVar variation 1044350 (VCV001044350.9), dbSNP rs1748962036, ClinGen allele CA1562866066.
Genomic context (GRCh38, chr5:90,708,913, plus strand): 5'-ATTTAACTTACGTTGGACTTACCATGGCTGCTTCAACTTCATTTCCTCCCAGACTAGGTA[T>C]GAGGGGTTTCTTGTTTGTTTCTTTTTGCTCACTTCAAATGAAATGAAGAAACTTCATTTT-3'

ClinVar aggregate classification (germline): Uncertain significance (1 of 4 stars; one submission).

Submission:

Labcorp Genetics (formerly Invitae), Labcorp
Classification: Uncertain significance. Last evaluated: 2020-01-10. Review status: criteria provided, single submitter. Criteria: Invitae Variant Classification Sherloc (09022015). Collection method: clinical testing. Allele origin: germline.
Comment: In summary, the available evidence is currently insufficient to determine the role of this variant in disease. Therefore, it has been classified as a Variant of Uncertain Significance. Nucleotide substitutions within the consensus splice site are a relatively common cause of aberrant splicing (PMID: 17576681, 9536098). Algorithms developed to predict the effect of sequence changes on RNA splicing suggest that this variant is not likely to affect RNA splicing, but this prediction has not been confirmed by published transcriptional studies. This variant has not been reported in the literature in individuals with ADGRV1-related conditions. This variant is not present in population databases (ExAC no frequency). This sequence change falls in intron 39 of the ADGRV1 gene. It does not directly change the encoded amino acid sequence of the ADGRV1 protein, but it affects a nucleotide within the consensus splice site of the intron.

Literature cited by the submitters: PubMed 17576681; PubMed 9536098.